The following is an entry in ClinVar:

NM_001365999.1(SZT2):c.238C>T (p.Leu80Phe)

Gene: SZT2 (SZT2 subunit of KICSTOR complex; plus strand). Cytogenetic location: 1p34.2.
Variant type: single nucleotide variant.
Coding change: c.238C>T on transcript NM_001365999.1 (MANE Select); coding-DNA position 238, C replaced by T.
Protein change: p.Leu80Phe; replaces leucine 80 with phenylalanine.
Molecular consequence: missense variant.
Genome position (GRCh38, 1-based): chr1:43,403,685, C>T. VCF-style: chr1-43403685-C-T. GRCh37 (hg19) VCF-style: chr1-43869356-C-T.
Other names: c.238C>T, p.Leu80Phe (NM_015284.4); c.238C>T (NM_015284.3); short protein forms L80F.
Identifiers: ClinVar variation 1014320 (VCV001014320.8), dbSNP rs765912738, ClinGen allele CA808115.

ClinVar aggregate classification (germline): Conflicting classifications of pathogenicity. Review status: criteria provided, conflicting classifications (1 of 4 stars). 2 submissions from 2 submitters: Uncertain significance (1); Likely benign (1). Last evaluated 2026-06-08.

Conditions:
Inborn genetic diseases. Identifiers: MedGen C0950123, MeSH D030342.

Allele frequency attached by ClinVar (database versions not stated): gnomAD exomes 0.00003; TOPMed 0.00003.
gnomAD v4.1: 25 of 1,614,038 alleles (0.0015%); highest among the groups gnomAD compares: African/African-American, 0.015%; no homozygotes.

Submissions (2):

Ambry Genetics
Classification: Likely benign for Inborn genetic diseases. Last evaluated: 2026-06-08. Review status: criteria provided, single submitter. Criteria: Ambry Variant Classification Scheme 2023. Collection method: clinical testing. Allele origin: germline.

Labcorp Genetics (formerly Invitae), Labcorp
Classification: Uncertain significance. Last evaluated: 2023-08-10. Review status: criteria provided, single submitter. Criteria: Invitae Variant Classification Sherloc (09022015). Collection method: clinical testing. Allele origin: germline.
Comment: This sequence change replaces leucine, which is neutral and non-polar, with phenylalanine, which is neutral and non-polar, at codon 80 of the SZT2 protein (p.Leu80Phe). This variant is present in population databases (rs765912738, gnomAD 0.03%). This variant has not been reported in the literature in individuals affected with SZT2-related conditions. ClinVar contains an entry for this variant (Variation ID: 1014320). Advanced modeling of protein sequence and biophysical properties (such as structural, functional, and spatial information, amino acid conservation, physicochemical variation, residue mobility, and thermodynamic stability) performed at Invitae indicates that this missense variant is not expected to disrupt SZT2 protein function. In summary, the available evidence is currently insufficient to determine the role of this variant in disease. Therefore, it has been classified as a Variant of Uncertain Significance.